The following is an entry in ClinVar:

NM_000553.6(WRN):c.2320A>G (p.Arg774Gly)

Gene: WRN (WRN RecQ like helicase; plus strand). Cytogenetic location: 8p12.
Variant type: single nucleotide variant.
Coding change: c.2320A>G on transcript NM_000553.6 (MANE Select); coding-DNA position 2320, A replaced by G.
Protein change: p.Arg774Gly; replaces arginine 774 with glycine.
Molecular consequence: missense variant.
Genome position (GRCh38, 1-based): chr8:31,116,400, A>G. VCF-style: chr8-31116400-A-G. GRCh37 (hg19) VCF-style: chr8-30973916-A-G.
Other names: short protein forms R774G.
Identifiers: ClinVar variation 1037086 (VCV001037086.5), dbSNP rs1801520297, ClinGen allele CA370913495.
Genomic context (GRCh38, chr8:31,116,400, plus strand): 5'-TTCTTTTTCTTTAGTTCCCACTGGGAATTTGAAGGTCCAACAATCATCTACTGTCCTTCT[A>G]GAAAAATGACACAACAAGTTACAGGTGAACTTAGGAAACTGAATCTATCCTGTGGAACAT-3'
Protein context (NP_000544.2, residues 764-784): EGPTIIYCPS[Arg774Gly]KMTQQVTGEL

ClinVar aggregate classification (germline): Uncertain significance (1 of 4 stars; one submission).

Conditions:
Werner syndrome (WRN). Identifiers: Orphanet 902, MedGen C0043119, MONDO:0010196, OMIM 277700.

Submission:

Labcorp Genetics (formerly Invitae), Labcorp
Classification: Uncertain significance for Werner syndrome. Last evaluated: 2022-08-19. Review status: criteria provided, single submitter. Criteria: Invitae Variant Classification Sherloc (09022015). Collection method: clinical testing. Allele origin: germline.
Comment: In summary, the available evidence is currently insufficient to determine the role of this variant in disease. Therefore, it has been classified as a Variant of Uncertain Significance. RNA analysis performed to evaluate the impact of this missense change on mRNA splicing indicates it does not significantly alter splicing (Invitae). Algorithms developed to predict the effect of missense changes on protein structure and function are either unavailable or do not agree on the potential impact of this missense change (SIFT: "Not Available"; PolyPhen-2: "Probably Damaging"; Align-GVGD: "Not Available"). ClinVar contains an entry for this variant (Variation ID: 1037086). This variant has not been reported in the literature in individuals affected with WRN-related conditions. This variant is not present in population databases (gnomAD no frequency). This sequence change replaces arginine, which is basic and polar, with glycine, which is neutral and non-polar, at codon 774 of the WRN protein (p.Arg774Gly).